The following is an entry in ClinVar:

NM_004946.3(DOCK2):c.3073-8A>G

Gene: DOCK2 (dedicator of cytokinesis 2; plus strand). Cytogenetic location: 5q35.1.
Variant type: single nucleotide variant.
Coding change: c.3073-8A>G on transcript NM_004946.3 (MANE Select); 8 bases into the intron before coding-DNA position 3073, A replaced by G.
Molecular consequence: intron variant.
Genome position (GRCh38, 1-based): chr5:170,008,489, A>G. VCF-style: chr5-170008489-A-G. GRCh37 (hg19) VCF-style: chr5-169435493-A-G.
Identifiers: ClinVar variation 1034136 (VCV001034136.35), dbSNP rs113289730, ClinGen allele CA3554104.

ClinVar aggregate classification (germline): Conflicting classifications of pathogenicity. Review status: criteria provided, conflicting classifications (1 of 4 stars). 4 submissions from 4 submitters: Uncertain significance (1); Benign (1); Likely benign (2). Last evaluated 2026-01-21.

Conditions:
DOCK2 deficiency. Also called: Immunodeficiency 40. Identifiers: Orphanet 447737, MedGen C4225328, MONDO:0014637, OMIM 616433.

Allele frequency attached by ClinVar (database versions not stated): gnomAD exomes 0.00005; ESP Exome Variant Server 0.00069; TOPMed 0.00078; 1000 Genomes Project 0.00080; 1000 Genomes Project 30x 0.00094.
gnomAD v4.1: 171 of 1,613,946 alleles (0.011%); highest among the groups gnomAD compares: African/African-American, 0.21%; no homozygotes.

Submissions (4):

Labcorp Genetics (formerly Invitae), Labcorp
Classification: Benign for DOCK2 deficiency. Last evaluated: 2026-01-21. Review status: criteria provided, single submitter. Criteria: Invitae Variant Classification Sherloc (09022015). Collection method: clinical testing. Allele origin: germline.

Blueprint Genetics
Classification: Likely benign. Last evaluated: 2022-07-14. Review status: criteria provided, single submitter. Criteria: ACMG Guidelines, 2015. Collection method: clinical testing. Allele origin: germline.

CeGaT Center for Human Genetics Tuebingen
Classification: Likely benign. Last evaluated: 2022-05-01. Review status: criteria provided, single submitter. Criteria: CeGaT Center For Human Genetics Tuebingen Variant Classification Criteria Version 2. Collection method: clinical testing. Allele origin: germline. Affected: yes. Observed: 1 variant allele.
Comment: DOCK2: BP4

Baylor Genetics
Classification: Uncertain significance for DOCK2 deficiency. Last evaluated: 2018-04-13. Review status: criteria provided, single submitter. Criteria: ACMG Guidelines, 2015. Collection method: clinical testing. Allele origin: paternal. Affected: yes.
Comment: This variant was determined to be of uncertain significance according to ACMG Guidelines, 2015 [PMID:25741868].